The following is an entry in ClinVar:

NM_001164665.2(KIAA1549):c.5734A>G (p.Thr1912Ala)

Gene: KIAA1549 (KIAA1549; minus strand). Cytogenetic location: 7q34.
Variant type: single nucleotide variant.
Coding change: c.5734A>G on transcript NM_001164665.2 (MANE Select); coding-DNA position 5734, A replaced by G.
Protein change: p.Thr1912Ala; replaces threonine 1912 with alanine.
Molecular consequence: missense variant.
Genome position (GRCh38, 1-based): chr7:138,838,025, T>C on the plus strand (A>G on the coding strand, the complement: KIAA1549 is on the minus strand). VCF-style: chr7-138838025-T-C. GRCh37 (hg19) VCF-style: chr7-138522770-T-C.
Other names: c.5686A>G, p.Thr1896Ala (NM_020910.3); short protein forms T1896A, T1912A.
Identifiers: ClinVar variation 2077304 (VCV002077304.4), dbSNP rs1584977426, ClinGen allele CA369383687.
Genomic context (GRCh38, chr7:138,838,025, plus strand): 5'-GGATTGCTTTGATGAGAGAGGCCGAGGAGTGGCCAGGCTGGAGGTCTTCCGTGGAGCTGG[T>C]GGGGTAACCCAGCCCAGGGCCCTGCAGTCCCCGGTGGGGGAGGTTCCCGGAAGGAGCTGA-3'
Protein context (NP_001158137.1, residues 1902-1922): GLQGPGLGYP[Thr1912Ala]SSTEDLQPGH

ClinVar aggregate classification (germline): Uncertain significance (1 of 4 stars; one submission).

Submission:

Labcorp Genetics (formerly Invitae), Labcorp
Classification: Uncertain significance. Last evaluated: 2022-01-27. Review status: criteria provided, single submitter. Criteria: Invitae Variant Classification Sherloc (09022015). Collection method: clinical testing. Allele origin: germline.
Comment: This sequence change replaces threonine, which is neutral and polar, with alanine, which is neutral and non-polar, at codon 1912 of the KIAA1549 protein (p.Thr1912Ala). This variant is not present in population databases (gnomAD no frequency). This variant has not been reported in the literature in individuals affected with KIAA1549-related conditions. Algorithms developed to predict the effect of missense changes on protein structure and function output the following: SIFT: "Deleterious"; PolyPhen-2: "Benign"; Align-GVGD: "Class C0". The alanine amino acid residue is found in multiple mammalian species, which suggests that this missense change does not adversely affect protein function. In summary, the available evidence is currently insufficient to determine the role of this variant in disease. Therefore, it has been classified as a Variant of Uncertain Significance.